The following is an entry in ClinVar:

NM_000260.4(MYO7A):c.3750+8C>T

Gene: MYO7A (myosin VIIA; plus strand). Cytogenetic location: 11q13.5.
Variant type: single nucleotide variant.
Coding change: c.3750+8C>T on transcript NM_000260.4 (MANE Select); 8 bases into the intron after coding-DNA position 3750, C replaced by T.
Molecular consequence: intron variant.
Genome position (GRCh38, 1-based): chr11:77,190,147, C>T. VCF-style: chr11-77190147-C-T. GRCh37 (hg19) VCF-style: chr11-76901192-C-T.
Other names: c.3717+8C>T (NM_001369365.1); c.3750+8C>T (NM_001127180.2).
Identifiers: ClinVar variation 859694 (VCV000859694.11), dbSNP rs930330204, ClinGen allele CA224843883.

ClinVar aggregate classification (germline): Conflicting classifications of pathogenicity. Review status: criteria provided, conflicting classifications (1 of 4 stars). 4 submissions from 4 submitters: Uncertain significance (1); Likely benign (2). 1 of the submissions does not count toward it. Last evaluated 2026-06-01.

Conditions:
Usher syndrome type 1B (USH1B). Also called: Usher syndrome type IB. Identifiers: MedGen C1848638, MONDO:0700087.

Allele frequency attached by ClinVar (database versions not stated): TOPMed 0.00003; gnomAD 0.00004 and 0.00005.
gnomAD v4.1: 89 of 1,553,102 alleles (0.0057%); highest among the groups gnomAD compares: East Asian, 0.0097%; no homozygotes.

Submissions (4):

CeGaT Center for Human Genetics Tuebingen
Classification: Uncertain significance. Last evaluated: 2026-06-01. Review status: criteria provided, single submitter. Criteria: CeGaT Center For Human Genetics Tuebingen Variant Classification Criteria Version 2. Collection method: clinical testing. Allele origin: germline. Affected: yes. Observed: 1 variant allele.
Comment: MYO7A: PM2, BP4

Labcorp Genetics (formerly Invitae), Labcorp
Classification: Likely benign. Last evaluated: 2026-01-19. Review status: criteria provided, single submitter. Criteria: Invitae Variant Classification Sherloc (09022015). Collection method: clinical testing. Allele origin: germline.

Blueprint Genetics
Classification: Likely benign. Last evaluated: 2024-01-12. Review status: criteria provided, single submitter. Criteria: ACMG Guidelines, 2015. Collection method: clinical testing. Allele origin: germline.

Natera, Inc.
Classification: Uncertain significance for Usher syndrome type 1B. Last evaluated: 2020-09-16. Review status: no assertion criteria provided. Collection method: clinical testing. Allele origin: germline. Not counted in ClinVar's aggregate classification.